The following is an entry in ClinVar:

NM_001142800.2(EYS):c.5201T>C (p.Leu1734Pro)

Gene: EYS (eyes shut homolog; minus strand). Cytogenetic location: 6q12.
Variant type: single nucleotide variant.
Coding change: c.5201T>C on transcript NM_001142800.2 (MANE Select); coding-DNA position 5201, T replaced by C.
Protein change: p.Leu1734Pro; replaces leucine 1734 with proline.
Molecular consequence: missense variant.
Genome position (GRCh38, 1-based): chr6:64,590,666, A>G on the plus strand (T>C on the coding strand, the complement: EYS is on the minus strand). VCF-style: chr6-64590666-A-G. GRCh37 (hg19) VCF-style: chr6-65300559-A-G.
Other names: c.5201T>C, p.Leu1734Pro (NM_001292009.2); short protein forms L1734P.
Identifiers: ClinVar variation 1951365 (VCV001951365.2), dbSNP rs969866831, ClinGen allele CA140340902.

ClinVar aggregate classification (germline): Uncertain significance (1 of 4 stars; one submission).

Allele frequency attached by ClinVar (database versions not stated): gnomAD exomes 0.00001; TOPMed 0.00001.
gnomAD v4.1: 3 of 1,551,284 alleles (0.00019%); highest among the groups gnomAD compares: Admixed American, 0.0059%; no homozygotes.

Submission:

Labcorp Genetics (formerly Invitae), Labcorp
Classification: Uncertain significance. Last evaluated: 2022-03-18. Review status: criteria provided, single submitter. Criteria: Invitae Variant Classification Sherloc (09022015). Collection method: clinical testing. Allele origin: germline.
Comment: This sequence change replaces leucine, which is neutral and non-polar, with proline, which is neutral and non-polar, at codon 1734 of the EYS protein (p.Leu1734Pro). This variant is present in population databases (no rsID available, gnomAD 0.01%). This variant has not been reported in the literature in individuals affected with EYS-related conditions. Algorithms developed to predict the effect of missense changes on protein structure and function output the following: SIFT: "Tolerated"; PolyPhen-2: "Benign"; Align-GVGD: "Class C0". The proline amino acid residue is found in multiple mammalian species, which suggests that this missense change does not adversely affect protein function. In summary, the available evidence is currently insufficient to determine the role of this variant in disease. Therefore, it has been classified as a Variant of Uncertain Significance.